The following is an entry in ClinVar:

ClinVar aggregate classification (germline): Conflicting classifications of pathogenicity. Review status: criteria provided, conflicting classifications (1 of 4 stars). 4 submissions from 4 submitters: Uncertain significance (1); Likely benign (3). Last evaluated 2026-07-11.

Conditions:
Marfan syndrome (MFS). Also called: MARFAN SYNDROME, TYPE I; Marfan syndrome type 1; Marfan's syndrome; Marfan syndrome, classic; FBN1-Related Marfan Syndrome. Identifiers: Orphanet 284963, Orphanet 558, MedGen C0024796, MONDO:0007947, OMIM 154700.
Familial thoracic aortic aneurysm and aortic dissection (TAAD). Also called: Thoracic aortic aneurysms and dissections. Identifiers: Orphanet 91387, MedGen C4707243, MONDO:0019625.

Allele frequency attached by ClinVar (database versions not stated): gnomAD exomes 0.00002 and 0.00001.
gnomAD v4.1: 8 of 1,614,086 alleles (0.0005%); highest among the groups gnomAD compares: Admixed American, 0.0083%; 1 homozygote.

Submissions (4):

Ambry Genetics
Classification: Uncertain significance for Familial thoracic aortic aneurysm and aortic dissection. Last evaluated: 2026-07-11. Review status: criteria provided, single submitter. Criteria: Ambry Variant Classification Scheme 2023. Collection method: clinical testing. Allele origin: germline.
Comment: The p.R961S variant (also known as c.2883G>T), located in coding exon 24 of the FBN1 gene, results from a G to T substitution at nucleotide position 2883. The arginine at codon 961 is replaced by serine, an amino acid with dissimilar properties. This amino acid position is conserved. In addition, this alteration is predicted to be tolerated by in silico analysis. Based on the available evidence, the clinical significance of this variant remains unclear.

All of Us Research Program, National Institutes of Health
Classification: Likely benign for Marfan syndrome. Last evaluated: 2024-07-20. Review status: criteria provided, single submitter. Criteria: ACMG Guidelines, 2015. Collection method: clinical testing. Allele origin: germline. Inheritance: Autosomal dominant inheritance. Observed: 2 variant alleles, 2 heterozygotes.
Comment: This study involves interpretation of variants in research participants for the purpose of population health screening. Participant phenotype was not available at the time of variant classification. Additional details can be found in publication PMID: 35346344, PMCID: PMC8962531

Color Diagnostics, LLC DBA Color Health
Classification: Likely benign for Familial thoracic aortic aneurysm and aortic dissection. Last evaluated: 2024-05-20. Review status: criteria provided, single submitter. Criteria: ACMG Guidelines, 2015. Collection method: clinical testing. Allele origin: germline.

Labcorp Genetics (formerly Invitae), Labcorp
Classification: Likely benign for Marfan syndrome; Familial thoracic aortic aneurysm and aortic dissection. Last evaluated: 2023-07-06. Review status: criteria provided, single submitter. Criteria: Invitae Variant Classification Sherloc (09022015). Collection method: clinical testing. Allele origin: germline.

NM_000138.5(FBN1):c.2883G>T (p.Arg961Ser)

Gene: FBN1 (fibrillin 1; minus strand). Cytogenetic location: 15q21.1.
Variant type: single nucleotide variant.
Coding change: c.2883G>T on transcript NM_000138.5 (MANE Select); coding-DNA position 2883, G replaced by T.
Protein change: p.Arg961Ser; replaces arginine 961 with serine.
Molecular consequence: missense variant.
Genome position (GRCh38, 1-based): chr15:48,490,050, C>A on the plus strand (G>T on the coding strand, the complement: FBN1 is on the minus strand). VCF-style: chr15-48490050-C-A. GRCh37 (hg19) VCF-style: chr15-48782247-C-A.
Other names: short protein forms R961S.
Identifiers: ClinVar variation 919063 (VCV000919063.15), dbSNP rs142964120, ClinGen allele CA049150.